The following is an entry in ClinVar:

ClinVar aggregate classification (germline): Uncertain significance. Review status: criteria provided, multiple submitters, no conflicts (2 of 4 stars). 5 submissions from 5 submitters: Uncertain significance (3). 2 of the submissions do not count toward it. Last evaluated 2025-02-02.

Conditions:
Hereditary cancer-predisposing syndrome. Also called: Neoplastic Syndromes, Hereditary; Hereditary neoplastic syndrome; Tumor predisposition; Hereditary Cancer Syndrome. Identifiers: Orphanet 140162, MedGen C0027672, MeSH D009386, MONDO:0015356.
Fanconi anemia (FA). Also called: Fanconi's anemia. Identifiers: Orphanet 84, MedGen C0015625, MeSH D005199, MONDO:0019391.

Allele frequency attached by ClinVar (database versions not stated): ExAC 0.00001; gnomAD exomes 0.00001; TOPMed 0.00001; gnomAD 0.00004.
gnomAD v4.1: 26 of 1,613,902 alleles (0.0016%); highest among the groups gnomAD compares: East Asian, 0.0045%; no homozygotes.

Submissions (5):

Labcorp Genetics (formerly Invitae), Labcorp
Classification: Uncertain significance for Fanconi anemia. Last evaluated: 2025-02-02. Review status: criteria provided, single submitter. Criteria: Invitae Variant Classification Sherloc (09022015). Collection method: clinical testing. Allele origin: germline.
Comment: This sequence change replaces glutamic acid, which is acidic and polar, with lysine, which is basic and polar, at codon 521 of the FANCC protein (p.Glu521Lys). This variant is present in population databases (rs752855423, gnomAD 0.008%). This missense change has been observed in individual(s) with breast cancer (PMID: 30613976). ClinVar contains an entry for this variant (Variation ID: 234512). Invitae Evidence Modeling of protein sequence and biophysical properties (such as structural, functional, and spatial information, amino acid conservation, physicochemical variation, residue mobility, and thermodynamic stability) has been performed for this missense variant. However, the output from this modeling did not meet the statistical confidence thresholds required to predict the impact of this variant on FANCC protein function. In summary, the available evidence is currently insufficient to determine the role of this variant in disease. Therefore, it has been classified as a Variant of Uncertain Significance.

Ambry Genetics
Classification: Uncertain significance for Hereditary cancer-predisposing syndrome. Last evaluated: 2024-01-31. Review status: criteria provided, single submitter. Criteria: Ambry Variant Classification Scheme 2023. Collection method: clinical testing. Allele origin: germline.
Comment: The p.E521K variant (also known as c.1561G>A), located in coding exon 14 of the FANCC gene, results from a G to A substitution at nucleotide position 1561. The glutamic acid at codon 521 is replaced by lysine, an amino acid with similar properties. This amino acid position is highly conserved in available vertebrate species. In addition, this alteration is predicted to be tolerated by in silico analysis. Since supporting evidence is limited at this time, the clinical significance of this alteration remains unclear.

GeneDx
Classification: Uncertain significance. Last evaluated: 2023-09-18. Review status: criteria provided, single submitter. Criteria: GeneDx Variant Classification Process June 2021. Collection method: clinical testing. Allele origin: germline. Affected: yes.
Comment: In silico analysis supports that this missense variant does not alter protein structure/function; This variant is associated with the following publications: (PMID: 12750283, 24163242, 29599312, 30613976, Gordon2000[Book], 15277238)

Genetic Services Laboratory, University of Chicago
Classification: Uncertain significance. Last evaluated: 2022-11-29. Review status: no assertion criteria provided. Collection method: clinical testing. Allele origin: germline. Affected: no. Not counted in ClinVar's aggregate classification.
Comment: DNA sequence analysis of the FANCC gene demonstrated a sequence change, c.1561G>A, in exon 15 results in an amino acid change, p.Glu521Lys. This sequence change has been described in the gnomAD database with a global population frequency of 0.002% (dbSNP rs752855423). The p.Glu521Lys change affects a highly conserved amino acid residue located in a domain of the FANCC protein that is known to be functional. In-silico pathogenicity prediction tools (SIFT, PolyPhen2, Align GVGD, REVEL) provide contradictory results for the p.Glu521Lys substitution. Due to insufficient evidences and the lack of functional studies, the clinical significance of the p.Glu521Lys change remains unknown at this time.

Natera, Inc.
Classification: Uncertain significance for Fanconi anemia. Last evaluated: 2018-08-12. Review status: no assertion criteria provided. Collection method: clinical testing. Allele origin: germline. Not counted in ClinVar's aggregate classification.

Literature cited by the submitters: PubMed 30613976 (cited by Labcorp Genetics (formerly Invitae), Labcorp and Ambry Genetics); PubMed 12750283 (cited by Ambry Genetics).

NM_000136.3(FANCC):c.1561G>A (p.Glu521Lys)

Genes: AOPEP (aminopeptidase O (putative); plus strand), FANCC (FA complementation group C; minus strand). Cytogenetic location: 9q22.32.
Variant type: single nucleotide variant.
Coding change: c.1561G>A on transcript NM_000136.3 (MANE Select); coding-DNA position 1561, G replaced by A.
Protein change: p.Glu521Lys; replaces glutamic acid 521 with lysine.
Molecular consequence: missense variant.
Genome position (GRCh38, 1-based): chr9:95,101,823, C>T on the plus strand (G>A on the coding strand, the complement: FANCC is on the minus strand). VCF-style: chr9-95101823-C-T. GRCh37 (hg19) VCF-style: chr9-97864105-C-T.
Other names: c.1561G>A, p.Glu521Lys (NM_001243743.2); short protein forms E521K.
Identifiers: ClinVar variation 234512 (VCV000234512.30), dbSNP rs752855423, ClinGen allele CA5137297.
Genomic context (GRCh38, chr9:95,101,823, plus strand): 5'-GGCTTTCAATGCCAAGACGATTCCATCTGTACAAGGTCTGGTCAAGAAAGCCAATGATCT[C>T]GTGAGTTATCTCAGCAGTGTGAGCCATCTGCAATCAGGACAGAAGAGAAGGCAAATTAAA-3'
Protein context (NP_000127.2, residues 511-531): LMAHTAEITH[Glu521Lys]IIGFLDQTLY